The following is an entry in ClinVar:

ClinVar aggregate classification (germline): Likely benign (1 of 4 stars; one submission).

gnomAD v4.1: 10 of 1,206,904 alleles (0.00083%); highest among the groups gnomAD compares: African/African-American, 0.0035%; no homozygotes.

Submission:

CeGaT Center for Human Genetics Tuebingen
Classification: Likely benign. Last evaluated: 2026-06-01. Review status: criteria provided, single submitter. Criteria: CeGaT Center For Human Genetics Tuebingen Variant Classification Criteria Version 2. Collection method: clinical testing. Allele origin: germline. Affected: yes. Observed: 2 variant alleles.
Comment: FMR1: BS2

NM_002024.6(FMR1):c.1673G>A (p.Arg558Gln)

Gene: FMR1 (fragile X messenger ribonucleoprotein 1; plus strand). Cytogenetic location: Xq27.3.
Variant type: single nucleotide variant.
Coding change: c.1673G>A on transcript NM_002024.6 (MANE Select); coding-DNA position 1673, G replaced by A.
Protein change: p.Arg558Gln; replaces arginine 558 with glutamine.
Molecular consequence: missense variant. On other transcripts: non-coding transcript variant (2).
Genome position (GRCh38, 1-based): chrX:147,945,552, G>A. VCF-style: chrX-147945552-G-A. GRCh37 (hg19) VCF-style: chrX-147027072-G-A.
Other names: c.1402G>A, p.Glu468Lys (NM_001185075.2); c.1610G>A, p.Arg537Gln (NM_001185076.2); c.1339G>A, p.Glu447Lys (NM_001185081.2); c.1535G>A, p.Arg512Gln (NM_001185082.2); short protein forms E447K, E468K, R512Q, R537Q, R558Q.
Identifiers: ClinVar variation 4822422 (VCV004822422.4).